The following is an entry in ClinVar:

ClinVar aggregate classification (germline): Likely benign (1 of 4 stars; one submission).

Allele frequency attached by ClinVar (database versions not stated): ExAC 0.00026.

Submission:

CeGaT Center for Human Genetics Tuebingen
Classification: Likely benign. Last evaluated: 2022-05-01. Review status: criteria provided, single submitter. Criteria: CeGaT Center For Human Genetics Tuebingen Variant Classification Criteria Version 2. Collection method: clinical testing. Allele origin: germline. Affected: yes. Observed: 1 variant allele.
Comment: RHOXF2B: BP4, BP7

NM_001099685.3(RHOXF2B):c.411C>T (p.Asn137=)

Genes: RHOXF1-AS1 (RHOXF1 antisense RNA 1; plus strand), RHOXF2B (Rhox homeobox family member 2B; minus strand). Cytogenetic location: Xq24.
Variant type: single nucleotide variant.
Coding change: c.411C>T on transcript NM_001099685.3 (MANE Select); coding-DNA position 411, C replaced by T.
Protein change: p.Asn137=; no amino-acid change (asparagine 137 retained).
Molecular consequence: synonymous variant.
Genome position (GRCh38, 1-based): chrX:120,076,957, G>A on the plus strand (C>T on the coding strand, the complement: RHOXF2B is on the minus strand). VCF-style: chrX-120076957-G-A. GRCh37 (hg19) VCF-style: chrX-119210922-G-A.
Identifiers: ClinVar variation 2661312 (VCV002661312.24), dbSNP rs782045957, ClinGen allele CA10503994.